The following is an entry in ClinVar:

ClinVar aggregate classification (germline): Uncertain significance (1 of 4 stars; one submission).

Conditions:
Becker muscular dystrophy (BMD). Also called: MUSCULAR DYSTROPHY, PSEUDOHYPERTROPHIC PROGRESSIVE, BECKER TYPE; Becker Muscular Dystrophy (BMD). Identifiers: Orphanet 98895, MedGen C0917713, MONDO:0010311, OMIM 300376.

Submission:

Institute of Human Genetics, University of Leipzig Medical Center
Classification: Uncertain significance for Becker muscular dystrophy. Last evaluated: 2018-10-05. Review status: criteria provided, single submitter. Criteria: ACMG Guidelines, 2015. Collection method: clinical testing. Allele origin: germline. Affected: yes. Observed: 1 variant allele.
Comment: This variant was identified as hemizygous

NM_004006.3(DMD):c.10349G>T (p.Ser3450Ile)

Gene: DMD (dystrophin; minus strand). Cytogenetic location: Xp21.2.
Variant type: single nucleotide variant.
Coding change: c.10349G>T on transcript NM_004006.3 (MANE Select); coding-DNA position 10349, G replaced by T.
Protein change: p.Ser3450Ile; replaces serine 3450 with isoleucine.
Molecular consequence: missense variant. On other transcripts: intron variant (2).
Genome position (GRCh38, 1-based): chrX:31,172,393, C>A on the plus strand (G>T on the coding strand, the complement: DMD is on the minus strand). VCF-style: chrX-31172393-C-A. GRCh37 (hg19) VCF-style: chrX-31190510-C-A.
Other names: c.10325G>T, p.Ser3442Ile (NM_000109.4); c.10337G>T, p.Ser3446Ile (NM_004009.3); c.9980G>T, p.Ser3327Ile (NM_004010.3); c.6326G>T, p.Ser2109Ile (NM_004011.4); c.6317G>T, p.Ser2106Ile (NM_004012.4); c.2969G>T, p.Ser990Ile (NM_004013.3, NM_004021.3); c.2162G>T, p.Ser721Ile (NM_004014.3); c.1145G>T, p.Ser382Ile (NM_004015.3, NM_004016.3); and 3 more; short protein forms S2106I, S2109I, S3327I, S3442I, S3446I, S3450I, S369I, S382I.
Identifiers: ClinVar variation 975876 (VCV000975876.1), dbSNP rs2040083096, ClinGen allele CA412652207.